The following is an entry in ClinVar:

NM_024675.4(PALB2):c.2634_2635del (p.Arg879fs)

Gene: PALB2 (partner and localizer of BRCA2; minus strand). Cytogenetic location: 16p12.2.
Variant type: Deletion.
Coding change: c.2634_2635del on transcript NM_024675.4 (MANE Select); coding-DNA positions 2634 to 2635, 2 bases deleted (AA; older notation c.2634_2635delAA).
Protein change: p.Arg879fs; shifts the reading frame from arginine 879.
Molecular consequence: frameshift variant.
Genome position (GRCh38, 1-based): chr16:23,626,349-23,626,350, TT deleted on the plus strand (AA on the coding strand, the reverse complement: PALB2 is on the minus strand); deleting any 2 consecutive bases within chr16:23,626,349-23,626,351 gives the same sequence; the c. name uses the placement nearest the transcript's 3' end. VCF-style (leftmost placement, unchanged base first): chr16-23626348-CTT-C. GRCh37 (hg19) VCF-style: chr16-23637669-CTT-C.
Other names: c.2634_2635delAA (NM_024675.3); short protein forms R879fs.
Identifiers: ClinVar variation 419436 (VCV000419436.12), dbSNP rs876660643, ClinGen allele CA16620128.

ClinVar aggregate classification (germline): Pathogenic/Likely pathogenic. Review status: criteria provided, multiple submitters, no conflicts (2 of 4 stars). 5 submissions from 5 submitters: Pathogenic (3); Likely pathogenic (2). Last evaluated 2025-05-02.

Conditions:
Hereditary cancer-predisposing syndrome. Also called: Hereditary neoplastic syndrome; Tumor predisposition; Neoplastic Syndromes, Hereditary; Hereditary Cancer Syndrome. Identifiers: Orphanet 140162, MedGen C0027672, MeSH D009386, MONDO:0015356.
Familial cancer of breast. Also called: Hereditary breast cancer; BREAST CANCER, FAMILIAL; hereditary breast carcinoma. Identifiers: Orphanet 227535, MedGen C0346153, MONDO:0016419, OMIM 114480. Disease mechanism: loss of function.

Submissions (5):

Labcorp Genetics (formerly Invitae), Labcorp
Classification: Pathogenic for Familial cancer of breast. Last evaluated: 2025-05-02. Review status: criteria provided, single submitter. Criteria: Invitae Variant Classification Sherloc (09022015). Collection method: clinical testing. Allele origin: germline.
Comment: This sequence change creates a premature translational stop signal (p.Arg879Serfs*4) in the PALB2 gene. It is expected to result in an absent or disrupted protein product. Loss-of-function variants in PALB2 are known to be pathogenic (PMID: 17200668, 17200671, 17200672, 24136930, 25099575). This variant is not present in population databases (gnomAD no frequency). This variant has not been reported in the literature in individuals affected with PALB2-related conditions. ClinVar contains an entry for this variant (Variation ID: 419436). RNA analysis performed to evaluate the impact of this premature translational stop signal on mRNA splicing indicates it does not significantly alter splicing (internal data). For these reasons, this variant has been classified as Pathogenic.

Ambry Genetics
Classification: Pathogenic for Hereditary cancer-predisposing syndrome. Last evaluated: 2024-11-26. Review status: criteria provided, single submitter. Criteria: Ambry Variant Classification Scheme 2023. Collection method: clinical testing. Allele origin: germline.
Comment: The c.2634_2635delAA pathogenic mutation, located in coding exon 7 of the PALB2 gene, results from a deletion of two nucleotides at nucleotide positions 2634 to 2635, causing a translational frameshift with a predicted alternate stop codon (p.R879Sfs*4). This variant is considered to be rare based on population cohorts in the Genome Aggregation Database (gnomAD). This alteration is expected to result in loss of function by premature protein truncation or nonsense-mediated mRNA decay. As such, this alteration is interpreted as a disease-causing mutation.

Myriad Genetics, Inc.
Classification: Pathogenic for Familial cancer of breast. Last evaluated: 2023-09-13. Review status: criteria provided, single submitter. Criteria: Myriad Autosomal Dominant, Autosomal Recessive and X-Linked Classification Criteria (2023). Collection method: clinical testing. Allele origin: unknown.
Comment: This variant is considered pathogenic. This variant creates a frameshift predicted to result in premature protein truncation.

Baylor Genetics
Classification: Likely pathogenic for Familial cancer of breast. Last evaluated: 2020-12-01. Review status: criteria provided, single submitter. Criteria: ACMG Guidelines, 2015. Collection method: clinical testing. Allele origin: unknown.

GeneDx
Classification: Likely pathogenic. Last evaluated: 2017-10-13. Review status: criteria provided, single submitter. Criteria: GeneDx Variant Classification (06012015). Collection method: clinical testing. Allele origin: germline. Affected: yes.
Comment: This deletion of two nucleotides in PALB2 is denoted c.2634_2635delAA at the cDNA level and p.Arg879SerfsX4 (R879SfsX4) at the protein level. The normal sequence, with the bases that are deleted in braces, is GGGA[AA]GAGC. The deletion causes a frameshift which changes an Arginine to a Serine at codon 879, and creates a premature stop codon at position 4 of the new reading frame. Although this variant has not, to our knowledge, been reported in the literature, it is predicted to cause loss of normal protein function through either protein truncation or nonsense-mediated mRNA decay. Based on the currently available information, we consider this deletion to be a likely pathogenic variant.

Literature cited by the submitters: PubMed 17200668 (cited by Labcorp Genetics (formerly Invitae), Labcorp); PubMed 17200671 (cited by Labcorp Genetics (formerly Invitae), Labcorp); PubMed 17200672 (cited by Labcorp Genetics (formerly Invitae), Labcorp); PubMed 24136930 (cited by Labcorp Genetics (formerly Invitae), Labcorp); PubMed 25099575 (cited by Labcorp Genetics (formerly Invitae), Labcorp).